The following is an entry in ClinVar:

NM_003924.4(PHOX2B):c.238G>A (p.Ala80Thr)

Genes: PHOX2B (paired like homeobox 2B; minus strand), PHOX2B-AS1 (PHOX2B antisense RNA 1; plus strand). Cytogenetic location: 4p13.
Variant type: single nucleotide variant.
Coding change: c.238G>A on transcript NM_003924.4 (MANE Select); coding-DNA position 238, G replaced by A.
Protein change: p.Ala80Thr; replaces alanine 80 with threonine.
Molecular consequence: missense variant. On other transcripts: non-coding transcript variant (1).
Genome position (GRCh38, 1-based): chr4:41,748,373, C>T on the plus strand (G>A on the coding strand, the complement: PHOX2B is on the minus strand). VCF-style: chr4-41748373-C-T. GRCh37 (hg19) VCF-style: chr4-41750390-C-T.
Other names: short protein forms A80T.
Identifiers: ClinVar variation 3931840 (VCV003931840.1).

ClinVar aggregate classification (germline): Uncertain significance (1 of 4 stars; one submission).

Conditions:
Hereditary cancer-predisposing syndrome. Also called: Tumor predisposition; Hereditary neoplastic syndrome; Hereditary Cancer Syndrome; Neoplastic Syndromes, Hereditary. Identifiers: Orphanet 140162, MedGen C0027672, MeSH D009386, MONDO:0015356.

Submission:

Ambry Genetics
Classification: Uncertain significance for Hereditary cancer-predisposing syndrome. Last evaluated: 2025-04-25. Review status: criteria provided, single submitter. Criteria: Ambry Variant Classification Scheme 2023. Collection method: clinical testing. Allele origin: germline.
Comment: The p.A80T variant (also known as c.238G>A), located in coding exon 1 of the PHOX2B gene, results from a G to A substitution at nucleotide position 238. The alanine at codon 80 is replaced by threonine, an amino acid with similar properties. This amino acid position is highly conserved in available vertebrate species. In addition, the in silico prediction for this alteration is inconclusive. Based on the available evidence, the clinical significance of this variant remains unclear.